The following is an entry in ClinVar:

ClinVar aggregate classification (germline): Benign/Likely benign. Review status: criteria provided, multiple submitters, no conflicts (2 of 4 stars). 4 submissions from 4 submitters: Benign (2); Likely benign (2). Last evaluated 2026-02-02.

Conditions:
Hereditary cancer-predisposing syndrome. Also called: Tumor predisposition; Hereditary neoplastic syndrome; Neoplastic Syndromes, Hereditary; Hereditary Cancer Syndrome. Identifiers: Orphanet 140162, MedGen C0027672, MeSH D009386, MONDO:0015356.
Ataxia-telangiectasia syndrome (AT). Also called: Cerebello-oculocutaneous telangiectasia; Immunodeficiency with ataxia telangiectasia; ATAXIA-TELANGIECTASIA, COMPLEMENTATION GROUP A; ATAXIA-TELANGIECTASIA, FRESNO VARIANT; Ataxia-telangiectasia; Ataxia-telangiectasia, complementation group D. Identifiers: Orphanet 100, MedGen C0004135, MONDO:0008840, OMIM 208900.

Allele frequency attached by ClinVar (database versions not stated): TOPMed 0.00010; gnomAD 0.00011 and 0.00012; ESP Exome Variant Server 0.00015.
gnomAD v4.1: 113 of 1,612,976 alleles (0.007%); highest among the groups gnomAD compares: Admixed American, 0.0017%; no homozygotes.

Submissions (4):

Labcorp Genetics (formerly Invitae), Labcorp
Classification: Benign for Ataxia-telangiectasia syndrome. Last evaluated: 2026-02-02. Review status: criteria provided, single submitter. Criteria: Invitae Variant Classification Sherloc (09022015). Collection method: clinical testing. Allele origin: germline.

Blueprint Genetics
Classification: Likely benign. Last evaluated: 2024-04-07. Review status: criteria provided, single submitter. Criteria: ACMG Guidelines, 2015. Collection method: clinical testing. Allele origin: germline.

Color Diagnostics, LLC DBA Color Health
Classification: Likely benign for Hereditary cancer-predisposing syndrome. Last evaluated: 2015-04-23. Review status: criteria provided, single submitter. Criteria: ACMG Guidelines, 2015. Collection method: clinical testing. Allele origin: germline.

GeneDx
Classification: Benign. Last evaluated: 2014-02-06. Review status: criteria provided, single submitter. Criteria: GeneDx Variant Classification (06012015). Collection method: clinical testing. Allele origin: germline. Affected: yes.
Comment: This variant is considered likely benign or benign based on one or more of the following criteria: it is a conservative change, it occurs at a poorly conserved position in the protein, it is predicted to be benign by multiple in silico algorithms, and/or has population frequency not consistent with disease.

NM_000051.4(ATM):c.3153+20T>C

Gene: ATM (ATM serine/threonine kinase; plus strand). Cytogenetic location: 11q22.3.
Variant type: single nucleotide variant.
Coding change: c.3153+20T>C on transcript NM_000051.4 (MANE Select); 20 bases into the intron after coding-DNA position 3153, T replaced by C.
Molecular consequence: intron variant.
Genome position (GRCh38, 1-based): chr11:108,272,627, T>C. VCF-style: chr11-108272627-T-C. GRCh37 (hg19) VCF-style: chr11-108143354-T-C.
Other names: c.3153+20T>C (NM_001351834.2).
Identifiers: ClinVar variation 136439 (VCV000136439.12), dbSNP rs200786429, ClinGen allele CA289552.